The following is an entry in ClinVar:

NM_002234.4(KCNA5):c.1282C>T (p.Gln428Ter)

Gene: KCNA5 (potassium voltage-gated channel subfamily A member 5; plus strand). Cytogenetic location: 12p13.32.
Variant type: single nucleotide variant.
Coding change: c.1282C>T on transcript NM_002234.4 (MANE Select); coding-DNA position 1282, C replaced by T.
Protein change: p.Gln428Ter; replaces glutamine 428 with a stop codon.
Molecular consequence: nonsense.
Genome position (GRCh38, 1-based): chr12:5,045,429, C>T. VCF-style: chr12-5045429-C-T. GRCh37 (hg19) VCF-style: chr12-5154595-C-T.
Other names: c.1282C>T (NM_002234.2); short protein forms Q428*.
Identifiers: ClinVar variation 1044328 (VCV001044328.8), dbSNP rs377498745, ClinGen allele CA6399840.

ClinVar aggregate classification (germline): Uncertain significance. Review status: criteria provided, multiple submitters, no conflicts (2 of 4 stars). 3 submissions from 3 submitters: Uncertain significance (3). Last evaluated 2025-07-18.

Conditions:
Atrial fibrillation, familial, 7 (ATFB7). Identifiers: MedGen C2677106, MONDO:0012828, OMIM 612240.

Allele frequency attached by ClinVar (database versions not stated): gnomAD exomes 0.00004 and 0.00002; ESP Exome Variant Server 0.00008; ExAC 0.00002; gnomAD 0.00002; TOPMed 0.00002.

Submissions (3):

Labcorp Genetics (formerly Invitae), Labcorp
Classification: Uncertain significance for Atrial fibrillation, familial, 7. Last evaluated: 2025-07-18. Review status: criteria provided, single submitter. Criteria: Invitae Variant Classification Sherloc (09022015). Collection method: clinical testing. Allele origin: germline.
Comment: This sequence change creates a premature translational stop signal (p.Gln428*) in the KCNA5 gene. While this is not anticipated to result in nonsense mediated decay, it is expected to disrupt the last 186 amino acid(s) of the KCNA5 protein. This variant is present in population databases (rs377498745, gnomAD 0.006%). This premature translational stop signal has been observed in individual(s) with atrial fibrillation (PMID: 34495297). ClinVar contains an entry for this variant (Variation ID: 1044328). Experimental studies and prediction algorithms are not available or were not evaluated, and the functional significance of this variant is currently unknown. In summary, the available evidence is currently insufficient to determine the role of this variant in disease. Therefore, it has been classified as a Variant of Uncertain Significance.

GeneDx
Classification: Uncertain significance. Last evaluated: 2025-05-14. Review status: criteria provided, single submitter. Criteria: GeneDx Variant Classification Process June 2021. Collection method: clinical testing. Allele origin: germline.
Comment: Reported in a patient with atrial fibrillation who also harbored a variant in the TTN gene (PMID: 34495297); Nonsense variant predicted to result in protein truncation as the last 186 amino acid(s) are lost; This variant is associated with the following publications: (PMID: 34495297)

Fulgent Genetics
Classification: Uncertain significance for Atrial fibrillation, familial, 7. Last evaluated: 2021-08-03. Review status: criteria provided, single submitter. Criteria: ACMG Guidelines, 2015. Collection method: clinical testing. Allele origin: unknown.

Literature cited by the submitters: PubMed 34495297 (cited by Labcorp Genetics (formerly Invitae), Labcorp).